The following is an entry in ClinVar:

ClinVar aggregate classification (germline): Benign (1 of 4 stars; one submission).

Allele frequency attached by ClinVar (database versions not stated): 1000 Genomes Project 30x 0.00016; TOPMed 0.00076; gnomAD 0.00089; gnomAD exomes 0.00099.
gnomAD v4.1: 391 of 398,112 alleles (0.098%); highest among the groups gnomAD compares: Middle Eastern, 0.19%; 1 homozygote.

Submission:

CeGaT Center for Human Genetics Tuebingen
Classification: Benign. Last evaluated: 2026-09-01. Review status: criteria provided, single submitter. Criteria: CeGaT Center For Human Genetics Tuebingen Variant Classification Criteria Version 2. Collection method: clinical testing. Allele origin: germline. Affected: yes. Observed: 25 variant alleles.
Comment: KCNQ1OT1: BS1, BS2

NM_000218.3(KCNQ1):c.1393+33832G>A

Genes: KCNQ1 (potassium voltage-gated channel subfamily Q member 1; plus strand), KCNQ1OT1 (KCNQ1 opposite strand/antisense transcript 1; minus strand). Cytogenetic location: 11p15.5.
Variant type: single nucleotide variant.
Coding change: c.1393+33832G>A on transcript NM_000218.3 (MANE Select); 33832 bases into the intron after coding-DNA position 1393, G replaced by A.
Molecular consequence: intron variant.
Genome position (GRCh38, 1-based): chr11:2,622,686, G>A. VCF-style: chr11-2622686-G-A. GRCh37 (hg19) VCF-style: chr11-2643916-G-A.
Other names: c.1123+33832G>A (NM_001406837.1); c.1297+33832G>A (NM_001406836.1); c.853+33832G>A (NM_001406838.1); c.1012+33832G>A (NM_181798.2).
Identifiers: ClinVar variation 1711276 (VCV001711276.30), dbSNP rs764727029, ClinGen allele CA216363233.